The following is an entry in ClinVar:

ClinVar aggregate classification (germline): Uncertain significance (1 of 4 stars; one submission).

gnomAD v4.1: 2 of 1,614,178 alleles (0.00012%); highest among the groups gnomAD compares: Admixed American, 0.0033%; no homozygotes.

Submission:

Labcorp Genetics (formerly Invitae), Labcorp
Classification: Uncertain significance. Last evaluated: 2023-08-27. Review status: criteria provided, single submitter. Criteria: Invitae Variant Classification Sherloc (09022015). Collection method: clinical testing. Allele origin: germline.
Comment: This sequence change replaces glutamine, which is neutral and polar, with histidine, which is basic and polar, at codon 924 of the KANK1 protein (p.Gln924His). This variant is present in population databases (no rsID available, gnomAD 0.003%). This variant has not been reported in the literature in individuals affected with KANK1-related conditions. Advanced modeling of protein sequence and biophysical properties (such as structural, functional, and spatial information, amino acid conservation, physicochemical variation, residue mobility, and thermodynamic stability) performed at Invitae indicates that this missense variant is not expected to disrupt KANK1 protein function. In summary, the available evidence is currently insufficient to determine the role of this variant in disease. Therefore, it has been classified as a Variant of Uncertain Significance.

NM_015158.5(KANK1):c.2772G>C (p.Gln924His)

Gene: KANK1 (KN motif and ankyrin repeat domains 1; plus strand). Cytogenetic location: 9p24.3.
Variant type: single nucleotide variant.
Coding change: c.2772G>C on transcript NM_015158.5 (MANE Select); coding-DNA position 2772, G replaced by C.
Protein change: p.Gln924His; replaces glutamine 924 with histidine.
Molecular consequence: missense variant. On other transcripts: non-coding transcript variant (1).
Genome position (GRCh38, 1-based): chr9:730,124, G>C. VCF-style: chr9-730124-G-C. GRCh37 (hg19) VCF-style: chr9-730124-G-C.
Other names: c.2772G>C, p.Gln924His (NM_001256876.3, NM_001256877.3, NM_001354331.2 and 2 more transcripts); c.2298G>C, p.Gln766His (NM_001354333.2, NM_001354335.2, NM_001354336.2 and 9 more transcripts); short protein forms Q766H, Q924H.
Identifiers: ClinVar variation 2856293 (VCV002856293.3), dbSNP rs1297029198, ClinGen allele CA372753814.